The following is an entry in ClinVar:

NM_000419.5(ITGA2B):c.118A>G (p.Thr40Ala)

Gene: ITGA2B (integrin subunit alpha 2b; minus strand). Cytogenetic location: 17q21.31.
Variant type: single nucleotide variant.
Coding change: c.118A>G on transcript NM_000419.5 (MANE Select); coding-DNA position 118, A replaced by G.
Protein change: p.Thr40Ala; replaces threonine 40 with alanine.
Molecular consequence: missense variant.
Genome position (GRCh38, 1-based): chr17:44,389,356, T>C on the plus strand (A>G on the coding strand, the complement: ITGA2B is on the minus strand). VCF-style: chr17-44389356-T-C. GRCh37 (hg19) VCF-style: chr17-42466724-T-C.
Other names: NM_000419.5(ITGA2B):c.118A>G; p.Thr40Ala; short protein forms T40A.
Identifiers: ClinVar variation 1304284 (VCV001304284.10), dbSNP rs77120952, ClinGen allele CA8603540.
Genomic context (GRCh38, chr17:44,389,356, plus strand): 5'-TGTCCTTGTGGAAGTCCAGTGAAAATCCAAACTGGCTGCCATTGGGGCCTGCATAGAAGG[T>C]GAGCTGCACTGGGTCCAGGTTCAAGGCCCAGGCTGGAGGGGCAGCACAAGGTCCCAAGAG-3'
Protein context (NP_000410.2, residues 30-50): WALNLDPVQL[Thr40Ala]FYAGPNGSQF

ClinVar aggregate classification (germline): Uncertain significance. Review status: reviewed by expert panel (3 of 4 stars). 5 submissions from 5 submitters: Uncertain significance (1). 4 of the submissions do not count toward it. Last evaluated 2024-10-15.

Conditions:
Inborn genetic diseases. Identifiers: MedGen C0950123, MeSH D030342.
Glanzmann thrombasthenia. Also called: BLEEDING DISORDER, PLATELET-TYPE, 2; THROMBASTHENIA OF GLANZMANN AND NAEGELI; Thrombasthenia; Glanzmann's thrombasthenia; PLATELET GLYCOPROTEIN IIb-IIIa DEFICIENCY. Identifiers: Orphanet 849, MedGen C0040015, MONDO:0100326.

Allele frequency attached by ClinVar (database versions not stated): ExAC 0.00014; gnomAD exomes 0.00014 and 0.00023; gnomAD 0.00015 and 0.00019; TOPMed 0.00016; ESP Exome Variant Server 0.00023.
gnomAD v4.1: 350 of 1,613,992 alleles (0.022%); highest among the groups gnomAD compares: Non-Finnish European, 0.028%; no homozygotes.

Submissions (5):

ClinGen Platelet Disorders Variant Curation Expert Panel, ClinGen
Classification: Uncertain significance for Glanzmann thrombasthenia. Last evaluated: 2024-10-15. Review status: reviewed by expert panel. Criteria: ClinGen Platelet ACMG Specifications v2-1. Collection method: curation. Allele origin: germline. Inheritance: Autosomal recessive inheritance.
Comment: The c.118A>G (p.Thr40Ala variant in ITGA2B is a missense variant predicted to cause substitution of threonine by alanine at amino acid 40 .It has been reported in ClinVar in association with possible Glanzmann Thrombastheina (affected status: unknown). After a thorough literature search, this variant was not found to be published in any patients with Glanzmann Thrombasthenia. The highest population minor allele frequency in gnomAD v4.1.0 is 0.0002830 (334/1180028 alleles) in the European (non-Finnish) population. This intermediate allele frequency is lower than the ClinGen PD VCEP threshold (>0.00158) for BS1 but higher than the threshold (<0.0001) for PM2_Supporting. The computational predictor REVEL gives a score of 0.232, which is below the ClinGen PD VCEP threshold of <0.25 and predicts no damaging effect on ITGA2B function (BP4). In summary, this variant meets the criteria to be classified as a variant of unknown significance for autosomal recessive Glanzmann Thrombasthenia based on the ACMG/AMP criteria applied, as specified by the ClinGen PD VCEP: BP4.

Labcorp Genetics (formerly Invitae), Labcorp
Classification: Uncertain significance for Glanzmann thrombasthenia. Last evaluated: 2026-01-27. Review status: criteria provided, single submitter. Criteria: Invitae Variant Classification Sherloc (09022015). Collection method: clinical testing. Allele origin: germline. Not counted in ClinVar's aggregate classification.
Comment: This sequence change replaces threonine, which is neutral and polar, with alanine, which is neutral and non-polar, at codon 40 of the ITGA2B protein (p.Thr40Ala). This variant is present in population databases (rs77120952, gnomAD 0.03%). This variant has not been reported in the literature in individuals affected with ITGA2B-related conditions. ClinVar contains an entry for this variant (Variation ID: 1304284). Invitae Evidence Modeling of protein sequence and biophysical properties (such as structural, functional, and spatial information, amino acid conservation, physicochemical variation, residue mobility, and thermodynamic stability) has been performed for this missense variant. However, the output from this modeling did not meet the statistical confidence thresholds required to predict the impact of this variant on ITGA2B protein function. In summary, the available evidence is currently insufficient to determine the role of this variant in disease. Therefore, it has been classified as a Variant of Uncertain Significance.

Women's Health and Genetics/Laboratory Corporation of America, LabCorp
Classification: Uncertain significance. Last evaluated: 2026-01-12. Review status: criteria provided, single submitter. Criteria: LabCorp Variant Classification Summary - May 2015. Collection method: clinical testing. Allele origin: germline. Not counted in ClinVar's aggregate classification.
Comment: Variant summary: ITGA2B c.118A>G (p.Thr40Ala) results in a non-conservative amino acid change in the encoded protein sequence. Algorithms developed to predict the effect of missense changes on protein structure and function are either unavailable or do not agree on the potential impact of this missense change. The variant allele was found at a frequency of 0.00014 in 251434 control chromosomes. This frequency is not significantly higher than estimated for disease-causing variants in ITGA2B, allowing no conclusion about variant significance. To our knowledge, no occurrence of c.118A>G in individuals affected with ITGA2B-related conditions and no experimental evidence demonstrating its impact on protein function have been reported. ClinVar contains an entry for this variant (Variation ID: 1304284). Based on the evidence outlined above, the variant was classified as uncertain significance.

GeneDx
Classification: Uncertain significance. Last evaluated: 2024-03-21. Review status: criteria provided, single submitter. Criteria: GeneDx Variant Classification Process June 2021. Collection method: clinical testing. Allele origin: germline. Affected: yes. Not counted in ClinVar's aggregate classification.
Comment: In silico analysis supports that this missense variant does not alter protein structure/function; Has not been previously published as pathogenic or benign to our knowledge

Ambry Genetics
Classification: Uncertain significance for Inborn genetic diseases. Last evaluated: 2021-08-17. Review status: criteria provided, single submitter. Criteria: Ambry Variant Classification Scheme 2023. Collection method: clinical testing. Allele origin: germline. Not counted in ClinVar's aggregate classification.